The following is an entry in ClinVar:

NC_000001.11:g.231573658_231677388dup

Genes: DISC1 (DISC1 scaffold protein; plus strand), LINC00582 (long intergenic non-protein coding RNA 582; minus strand), TSNAX-DISC1 (TSNAX-DISC1 readthrough (NMD candidate); plus strand), LOC129388776 (MPRA-validated peak764 silencer; plus strand), LOC129388777 (MPRA-validated peak765 silencer; plus strand) and 3 more. Cytogenetic location: 1q42.2.
Variant type: Duplication.
Identifiers: ClinVar variation 156769 (VCV000156769.2).

ClinVar aggregate classification (germline): not provided (0 of 4 stars; one submission).

Conditions:
Gestational diabetes mellitus uncontrolled. Identifiers: MedGen C3532257.

Submission:

Institute of Molecular and Cell Biology, University of Tartu
No classification provided. Condition: Gestational diabetes mellitus uncontrolled. Review status: no classification provided. Collection method: case-control. Allele origin: unknown. Affected: yes. Study: Kasak2014.
Comment: The study aimed to determine the contribution of copy number variants in the genetic etiology of normal and complicated pregnancies. The samples represented (i) maternal blood DNA drawn from healthy pregnant women during 1st or 2nd trimester and (ii) maternal and paternal blood DNA drawn at term pregnancy cases representing normal and complicated gestations (severe preeclampsia, PE; gestational diabetes, GD; small-for-gestational age newborn, SGA; large-for-gestational age newborn, LGA). We performed CNV calling based on genome-wide genotyping dataset (Illumina HumanOmniExpress-24-v1 BeadChip) by applying three algorithms, QuantiSNP, GADA (Genome Alteration Detection Algorithm) and CNstream in parallel. The acquired CNV calls were merged with HD-CNV (Hotspot Detector for Copy Number Variants) program and only the CNVs predicted by at least two programs, were considered in subsequent analysis.

Literature cited by the submitters: PubMed 25666259.